The following is an entry in ClinVar:

ClinVar aggregate classification (germline): Uncertain significance. Review status: criteria provided, single submitter (1 of 4 stars). 2 submissions from 2 submitters: Uncertain significance (1). 1 of the submissions does not count toward it. Last evaluated 2025-08-08.

Conditions:
Craniofacial microsomia 1 (CFM1). Also called: Hemifacial microsomia. Identifiers: Orphanet 374, MedGen C3495417, MONDO:0958175, OMIM 164210.

Allele frequency attached by ClinVar (database versions not stated): gnomAD 0.00001; gnomAD exomes 0.00002; TOPMed 0.00002.

Submissions (2):

Labcorp Genetics (formerly Invitae), Labcorp
Classification: Uncertain significance. Last evaluated: 2025-08-08. Review status: criteria provided, single submitter. Criteria: Invitae Variant Classification Sherloc (09022015). Collection method: clinical testing. Allele origin: germline.
Comment: This sequence change creates a premature translational stop signal (p.Arg415*) in the FOXI3 gene. While this is not anticipated to result in nonsense mediated decay, it is expected to disrupt the last 6 amino acid(s) of the FOXI3 protein. This variant is present in population databases (no rsID available, gnomAD 0.002%). This premature translational stop signal has been observed in individual(s) with clinical features of craniofacial microsomia (PMID: 37041148). ClinVar contains an entry for this variant (Variation ID: 2431339). Algorithms developed to predict the effect of variants on gene product structure and function are not available or were not evaluated for this variant. Experimental studies have shown that this premature translational stop signal affects FOXI3 function (PMID: 37041148). In summary, the available evidence is currently insufficient to determine the role of this variant in disease. Therefore, it has been classified as a Variant of Uncertain Significance.

ZhangYB Lab, Beihang University
Classification: Likely pathogenic for Craniofacial microsomia 1. Last evaluated: 2022-03-06. Review status: no assertion criteria provided. Collection method: research. Allele origin: germline, not applicable. Inheritance: Sporadic. Affected: yes. Observed: 1 heterozygote. Not counted in ClinVar's aggregate classification.

Literature cited by the submitters: PubMed 37041148 (cited by Labcorp Genetics (formerly Invitae), Labcorp).

NM_001135649.3(FOXI3):c.1243C>T (p.Arg415Ter)

Gene: FOXI3 (forkhead box I3; minus strand). Cytogenetic location: 2p11.2.
Variant type: single nucleotide variant.
Coding change: c.1243C>T on transcript NM_001135649.3 (MANE Select); coding-DNA position 1243, C replaced by T.
Protein change: p.Arg415Ter; replaces arginine 415 with a stop codon.
Molecular consequence: nonsense.
Genome position (GRCh38, 1-based): chr2:88,448,227, G>A on the plus strand (C>T on the coding strand, the complement: FOXI3 is on the minus strand). VCF-style: chr2-88448227-G-A. GRCh37 (hg19) VCF-style: chr2-88747746-G-A.
Other names: short protein forms R415*.
Identifiers: ClinVar variation 2431339 (VCV002431339.6), dbSNP rs1456659870, ClinGen allele CA347763881.